The following is an entry in ClinVar:

ClinVar aggregate classification (germline): Likely benign. Review status: criteria provided, single submitter (1 of 4 stars). 2 submissions from 2 submitters: Likely benign (1). 1 of the submissions does not count toward it. Last evaluated 2023-06-17.

Conditions:
PYGM-related disorder. Also called: PYGM-related condition.
Glycogen storage disease, type V (GSD5). Also called: McArdle type glycogen storage disease; MCARDLE DISEASE; MUSCLE GLYCOGEN PHOSPHORYLASE DEFICIENCY; MYOPHOSPHORYLASE DEFICIENCY; PYGM DEFICIENCY. Identifiers: Orphanet 368, MedGen C0017924, MONDO:0009293, OMIM 232600.

Allele frequency attached by ClinVar (database versions not stated): gnomAD exomes below 0.00001; ExAC 0.00001; gnomAD 0.00001; 1000 Genomes Project 0.00020; 1000 Genomes Project 30x 0.00031.

Submissions (2):

Labcorp Genetics (formerly Invitae), Labcorp
Classification: Likely benign for Glycogen storage disease, type V. Last evaluated: 2023-06-17. Review status: criteria provided, single submitter. Criteria: Invitae Variant Classification Sherloc (09022015). Collection method: clinical testing. Allele origin: germline.

PreventionGenetics, part of Exact Sciences
Classification: Likely benign for PYGM-related condition. Last evaluated: 2022-04-07. Review status: no assertion criteria provided. Collection method: clinical testing. Allele origin: germline. Not counted in ClinVar's aggregate classification.
Comment: This variant is classified as likely benign based on ACMG/AMP sequence variant interpretation guidelines (Richards et al. 2015 PMID: 25741868, with internal and published modifications).

NM_005609.4(PYGM):c.2085G>A (p.Gly695=)

Gene: PYGM (glycogen phosphorylase, muscle associated; minus strand). Cytogenetic location: 11q13.1.
Variant type: single nucleotide variant.
Coding change: c.2085G>A on transcript NM_005609.4 (MANE Select); coding-DNA position 2085, G replaced by A.
Protein change: p.Gly695=; no amino-acid change (glycine 695 retained).
Molecular consequence: synonymous variant.
Genome position (GRCh38, 1-based): chr11:64,750,468, C>T on the plus strand (G>A on the coding strand, the complement: PYGM is on the minus strand). VCF-style: chr11-64750468-C-T. GRCh37 (hg19) VCF-style: chr11-64517940-C-T.
Other names: c.2085G>A (NM_005609.3); c.1821G>A, p.Gly607= (NM_001164716.1).
Identifiers: ClinVar variation 1613497 (VCV001613497.10), dbSNP rs147725917, ClinGen allele CA6079642.